The following is an entry in ClinVar:

NM_004453.4(ETFDH):c.627T>C (p.Gly209=)

Gene: ETFDH (electron transfer flavoprotein dehydrogenase; plus strand). Cytogenetic location: 4q32.1.
Variant type: single nucleotide variant.
Coding change: c.627T>C on transcript NM_004453.4 (MANE Select); coding-DNA position 627, T replaced by C.
Protein change: p.Gly209=; no amino-acid change (glycine 209 retained).
Molecular consequence: synonymous variant.
Genome position (GRCh38, 1-based): chr4:158,690,368, T>C. VCF-style: chr4-158690368-T-C. GRCh37 (hg19) VCF-style: chr4-159611520-T-C.
Other names: p.Gly209=; c.486T>C, p.Gly162= (NM_001281737.2); c.444T>C, p.Gly148= (NM_001281738.1).
Identifiers: ClinVar variation 381392 (VCV000381392.16), dbSNP rs148708761, ClinGen allele CA3122416.

ClinVar aggregate classification (germline): Likely benign. Review status: criteria provided, multiple submitters, no conflicts (2 of 4 stars). 4 submissions from 4 submitters: Likely benign (3). 1 of the submissions does not count toward it. Last evaluated 2026-01-24.

Conditions:
ETFDH-related disorder. Also called: ETFDH-related condition.
Multiple acyl-CoA dehydrogenase deficiency (MADD). Also called: Glutaric acidemia type II; GA 2; ETHYLMALONIC-ADIPICACIDURIA; GA II; Glutaric aciduria, type 2; Glutaric Acidemia type 2. Identifiers: Orphanet 26791, MedGen C0268596, MONDO:0009282, OMIM 231680.

Allele frequency attached by ClinVar (database versions not stated): gnomAD exomes 0.00014; 1000 Genomes Project 30x 0.00016; 1000 Genomes Project 0.00020; ExAC 0.00021; gnomAD 0.00059 and 0.00063; TOPMed 0.00063; ESP Exome Variant Server 0.00085.
gnomAD v4.1: 158 of 1,596,498 alleles (0.0099%); highest among the groups gnomAD compares: African/African-American, 0.19%; no homozygotes.

Submissions (4):

Labcorp Genetics (formerly Invitae), Labcorp
Classification: Likely benign for Multiple acyl-CoA dehydrogenase deficiency. Last evaluated: 2026-01-24. Review status: criteria provided, single submitter. Criteria: Invitae Variant Classification Sherloc (09022015). Collection method: clinical testing. Allele origin: germline.

Mayo Clinic Laboratories, Mayo Clinic
Classification: Likely benign. Last evaluated: 2025-05-02. Review status: criteria provided, single submitter. Criteria: ACMG Guidelines, 2015. Collection method: clinical testing. Allele origin: germline. Observed: 2 variant alleles.
Comment: BP4, BP7

GeneDx
Classification: Likely benign. Last evaluated: 2020-11-05. Review status: criteria provided, single submitter. Criteria: GeneDx Variant Classification Process June 2021. Collection method: clinical testing. Allele origin: germline. Affected: yes.

PreventionGenetics, part of Exact Sciences
Classification: Likely benign for ETFDH-related condition. Last evaluated: 2020-11-23. Review status: no assertion criteria provided. Collection method: clinical testing. Allele origin: germline. Not counted in ClinVar's aggregate classification.
Comment: This variant is classified as likely benign based on ACMG/AMP sequence variant interpretation guidelines (Richards et al. 2015 PMID: 25741868, with internal and published modifications).